The following is an entry in ClinVar:

ClinVar aggregate classification (germline): Benign. Review status: criteria provided, multiple submitters, no conflicts (2 of 4 stars). 6 submissions from 6 submitters: Benign (6). Last evaluated 2026-02-04.

Conditions:
Vici syndrome (VICIS). Identifiers: Orphanet 1493, MedGen C1855772, MONDO:0009452, OMIM 242840.

Allele frequency attached by ClinVar (database versions not stated): gnomAD exomes 0.16811 and 0.22501; ESP Exome Variant Server 0.17539; gnomAD 0.20554 and 0.20964; TOPMed 0.21653; ExAC 0.21851; 1000 Genomes Project 30x 0.26546; 1000 Genomes Project 0.26637.
gnomAD v4.1: 277,784 of 1,613,820 alleles (17%); highest among the groups gnomAD compares: Admixed American, 39%; 27,910 homozygotes.

Submissions (6):

Labcorp Genetics (formerly Invitae), Labcorp
Classification: Benign for Vici syndrome. Last evaluated: 2026-02-04. Review status: criteria provided, single submitter. Criteria: Invitae Variant Classification Sherloc (09022015). Collection method: clinical testing. Allele origin: germline.

Blueprint Genetics
Classification: Benign. Last evaluated: 2024-11-28. Review status: criteria provided, single submitter. Criteria: ACMG Guidelines, 2015. Collection method: clinical testing. Allele origin: germline.

Unidad de Genómica Garrahan, Hospital de Pediatría Garrahan
Classification: Benign. Last evaluated: 2024-01-24. Review status: criteria provided, single submitter. Criteria: ACMG Guidelines, 2015. Collection method: clinical testing. Allele origin: germline. Affected: no. Observed: 46 variant alleles.
Comment: This variant is classified as Benign based on local population frequency. This variant was detected in 48% of patients studied by a panel of primary immunodeficiencies. Number of patients: 46. Only high quality variants are reported.

Genome-Nilou Lab
Classification: Benign for Vici syndrome. Last evaluated: 2021-07-30. Review status: criteria provided, single submitter. Criteria: ACMG Guidelines, 2015. Collection method: clinical testing. Allele origin: germline. Affected: no.

GeneDx
Classification: Benign. Last evaluated: 2018-04-02. Review status: criteria provided, single submitter. Criteria: GeneDx Variant Classification (06012015). Collection method: clinical testing. Allele origin: germline. Affected: yes.
Comment: This variant is considered likely benign or benign based on one or more of the following criteria: it is a conservative change, it occurs at a poorly conserved position in the protein, it is predicted to be benign by multiple in silico algorithms, and/or has population frequency not consistent with disease.

Breakthrough Genomics
Classification: Benign. Review status: criteria provided, single submitter. Criteria: ACMG Guidelines, 2015. Collection method: not provided. Allele origin: germline. Inheritance: Autosomal recessive inheritance. Affected: yes.

NM_020964.3(EPG5):c.4089C>T (p.His1363=)

Gene: EPG5 (ectopic P-granules 5 autophagy tethering factor; minus strand). Cytogenetic location: 18q21.1.
Variant type: single nucleotide variant.
Coding change: c.4089C>T on transcript NM_020964.3 (MANE Select); coding-DNA position 4089, C replaced by T.
Protein change: p.His1363=; no amino-acid change (histidine 1363 retained).
Molecular consequence: synonymous variant.
Genome position (GRCh38, 1-based): chr18:45,910,637, G>A on the plus strand (C>T on the coding strand, the complement: EPG5 is on the minus strand). VCF-style: chr18-45910637-G-A. GRCh37 (hg19) VCF-style: chr18-43490602-G-A.
Identifiers: ClinVar variation 680068 (VCV000680068.17), dbSNP rs3744996, ClinGen allele CA8948985.
Genomic context (GRCh38, chr18:45,910,637, plus strand): 5'-GCTCTCTGGCAGCCCTTCACTGCCCTCTGCTGGAACACGGAGGGCCTTGCTTGCAGCATG[G>A]TGGAAGTCAGCCACCTCGGTCAAACGTCTCTTCATTTCTTTCAACAAATTGATATGAGCA-3'
Protein context (NP_066015.2, residues 1353-1373): KRRLTEVADF[His1363=]HAASKALRVP